The following is an entry in ClinVar:

NM_001161352.2(KCNMA1):c.2143G>A (p.Gly715Arg)

Gene: KCNMA1 (potassium calcium-activated channel subfamily M alpha 1; minus strand). Cytogenetic location: 10q22.3.
Variant type: single nucleotide variant.
Coding change: c.2143G>A on transcript NM_001161352.2 (MANE Select); coding-DNA position 2143, G replaced by A.
Protein change: p.Gly715Arg; replaces glycine 715 with arginine.
Molecular consequence: missense variant. On other transcripts: intron variant (12).
Genome position (GRCh38, 1-based): chr10:77,001,530, C>T on the plus strand (G>A on the coding strand, the complement: KCNMA1 is on the minus strand). VCF-style: chr10-77001530-C-T. GRCh37 (hg19) VCF-style: chr10-78761288-C-T.
Other names: c.1942+10437G>A (NM_001271518.2); c.2092+10437G>A (NM_001322832.2, NM_002247.4, NM_001161353.2); c.2101+6655G>A (NM_001322829.2, NM_001322836.2, NM_001271519.2); c.2104+10437G>A (NM_001014797.3, NM_001322835.2, NM_001322837.2); c.2113+6655G>A (NM_001322830.2); c.1552+10437G>A (NM_001322838.2); short protein forms G715R.
Identifiers: ClinVar variation 1690534 (VCV001690534.3), dbSNP rs1312161191, ClinGen allele CA377405609.
Genomic context (GRCh38, chr10:77,001,530, plus strand): 5'-GGGTGTCCACGTTACCACGCACACGGCCTGACATGCATGAGCAGTCACGCTCAGAACGTC[C>T]GCAATCAAAACAACATGCCCGTCTCATTCTCTTGTAGATGGACATCTTGGCTATAACCGT-3'
Protein context (NP_001154824.1, residues 705-725): RMRRACCFDC[Gly715Arg]RSERDCSCMS

ClinVar aggregate classification (germline): Uncertain significance. Review status: criteria provided, multiple submitters, no conflicts (2 of 4 stars). 2 submissions from 2 submitters: Uncertain significance (2). Last evaluated 2024-08-15.

Allele frequency attached by ClinVar (database versions not stated): TOPMed below 0.00001; gnomAD 0.00001; gnomAD exomes 0.00001 and 0.00003.
gnomAD v4.1: 9 of 1,551,982 alleles (0.00058%); highest among the groups gnomAD compares: East Asian, 0.0024%; no homozygotes.

Submissions (2):

Women's Health and Genetics/Laboratory Corporation of America, LabCorp
Classification: Uncertain significance. Last evaluated: 2024-08-15. Review status: criteria provided, single submitter. Criteria: LabCorp Variant Classification Summary - May 2015. Collection method: clinical testing. Allele origin: germline.
Comment: Variant summary: KCNMA1 c.2143G>A (p.Gly715Arg) results in a non-conservative amino acid change in the encoded protein sequence. Three of five in-silico tools predict a benign effect of the variant on protein function. The variant allele was found at a frequency of 3.2e-05 in 158012 control chromosomes. The available data on variant occurrences in the general population are insufficient to allow any conclusion about variant significance. To our knowledge, no occurrence of c.2143G>A in individuals affected with Paroxysmal Nonkinesigenic Dyskinesia, 3, With Or Without Generalized Epilepsy and no experimental evidence demonstrating its impact on protein function have been reported. ClinVar contains an entry for this variant (Variation ID: 1690534). Based on the evidence outlined above, the variant was classified as uncertain significance.

Laboratorio de Genetica e Diagnostico Molecular, Hospital Israelita Albert Einstein
Classification: Uncertain significance. Last evaluated: 2021-02-19. Review status: criteria provided, single submitter. Criteria: ACMG Guidelines, 2015. Collection method: clinical testing. Allele origin: germline. Affected: yes.
Comment: ACMG classification criteria: PM2